The following is an entry in ClinVar:

ClinVar aggregate classification (germline): Benign/Likely benign. Review status: criteria provided, multiple submitters, no conflicts (2 of 4 stars). 3 submissions from 3 submitters: Benign (2); Likely benign (1). Last evaluated 2026-02-01.

Conditions:
Cone-rod dystrophy 7 (CORD7). Identifiers: Orphanet 1872, MedGen C1863634, MONDO:0011355, OMIM 603649.

Allele frequency attached by ClinVar (database versions not stated): gnomAD exomes 0.00016 and 0.00042; ExAC 0.00083; ESP Exome Variant Server 0.00160; gnomAD 0.00166 and 0.00174; TOPMed 0.00196; 1000 Genomes Project 0.00200; 1000 Genomes Project 30x 0.00203.
gnomAD v4.1: 500 of 1,590,262 alleles (0.031%); highest among the groups gnomAD compares: African/African-American, 0.54%; 2 homozygotes.

Submissions (3):

Labcorp Genetics (formerly Invitae), Labcorp
Classification: Benign. Last evaluated: 2026-02-01. Review status: criteria provided, single submitter. Criteria: Invitae Variant Classification Sherloc (09022015). Collection method: clinical testing. Allele origin: germline.

Blueprint Genetics
Classification: Likely benign. Last evaluated: 2024-09-23. Review status: criteria provided, single submitter. Criteria: ACMG Guidelines, 2015. Collection method: clinical testing. Allele origin: germline.

Illumina Laboratory Services, Illumina
Classification: Benign for Cone-rod dystrophy 7. Last evaluated: 2018-01-13. Review status: criteria provided, single submitter. Criteria: ICSL Variant Classification Criteria 13 December 2019. Collection method: clinical testing. Allele origin: germline.
Comment: This variant was observed in the ICSL laboratory as part of a predisposition screen in an ostensibly healthy population. It had not been previously curated by ICSL or reported in the Human Gene Mutation Database (HGMD: prior to June 1st, 2018), and was therefore a candidate for classification through an automated scoring system. Utilizing variant allele frequency, disease prevalence and penetrance estimates, and inheritance mode, an automated score was calculated to assess if this variant is too frequent to cause the disease. Based on the score and internal cut-off values, a variant classified as benign is not then subjected to further curation. The score for this variant resulted in a classification of benign for this disease.

NM_014989.7(RIMS1):c.3171C>T (p.Ser1057=)

Gene: RIMS1 (regulating synaptic membrane exocytosis 1; plus strand). Cytogenetic location: 6q13.
Variant type: single nucleotide variant.
Coding change: c.3171C>T on transcript NM_014989.7 (MANE Select); coding-DNA position 3171, C replaced by T.
Protein change: p.Ser1057=; no amino-acid change (serine 1057 retained).
Molecular consequence: synonymous variant. On other transcripts: intron variant (58).
Genome position (GRCh38, 1-based): chr6:72,265,029, C>T. VCF-style: chr6-72265029-C-T. GRCh37 (hg19) VCF-style: chr6-72974732-C-T.
Other names: c.1590C>T, p.Ser530= (NM_001350418.2, NM_001350434.2, NM_001350436.2); c.1593C>T, p.Ser531= (NM_001350458.2); c.1548C>T, p.Ser516= (NM_001350470.2); c.1470-931C>T (NM_001350428.2, NM_001350459.2, NM_001350424.2 and 1 more transcripts); c.1467-931C>T (NM_001350437.2, NM_001350430.2, NM_001350421.2 and 1 more transcripts); c.1539-931C>T (NM_001350433.2, NM_001350446.2, NM_001350442.2 and 8 more transcripts); c.1538+4262C>T (NM_001350431.2); c.1476-931C>T (NM_001350457.2); and 13 more.
Identifiers: ClinVar variation 357849 (VCV000357849.16), dbSNP rs201355521, ClinGen allele CA3886155.